The following is an entry in ClinVar:

ClinVar aggregate classification (germline): Pathogenic (1 of 4 stars; one submission).

Conditions:
Hereditary cancer-predisposing syndrome. Also called: Neoplastic Syndromes, Hereditary; Tumor predisposition; Hereditary Cancer Syndrome; Hereditary neoplastic syndrome. Identifiers: Orphanet 140162, MedGen C0027672, MeSH D009386, MONDO:0015356.

Submission:

Ambry Genetics
Classification: Pathogenic for Hereditary cancer-predisposing syndrome. Last evaluated: 2025-10-24. Review status: criteria provided, single submitter. Criteria: Ambry Variant Classification Scheme 2023. Collection method: clinical testing. Allele origin: germline.
Comment: The c.585_591delAAGAACT pathogenic mutation, located in coding exon 4 of the PALB2 gene, results from a deletion of 7 nucleotides at nucleotide positions 585 to 591, causing a translational frameshift with a predicted alternate stop codon (p.R196Tfs*3). This variant is considered to be rare based on population cohorts in the Genome Aggregation Database (gnomAD). This alteration is expected to result in loss of function by premature protein truncation or nonsense-mediated mRNA decay. As such, this alteration is interpreted as a disease-causing mutation.

NM_024675.4(PALB2):c.585_591del (p.Arg196fs)

Gene: PALB2 (partner and localizer of BRCA2; minus strand). Cytogenetic location: 16p12.2.
Variant type: Deletion.
Coding change: c.585_591del on transcript NM_024675.4 (MANE Select); coding-DNA positions 585 to 591, 7 bases deleted (AAGAACT; older notation c.585_591delAAGAACT).
Protein change: p.Arg196fs; shifts the reading frame from arginine 196.
Molecular consequence: frameshift variant. On other transcripts: 5 prime UTR variant (8), intron variant (3).
Genome position (GRCh38, 1-based): chr16:23,635,955-23,635,961, AGTTCTT deleted on the plus strand (AAGAACT on the coding strand, the reverse complement: PALB2 is on the minus strand); deleting any 7 consecutive bases within chr16:23,635,955-23,635,962 gives the same sequence; the c. name uses the placement nearest the transcript's 3' end. VCF-style (leftmost placement, unchanged base first): chr16-23635954-GAGTTCTT-G. GRCh37 (hg19) VCF-style: chr16-23647275-GAGTTCTT-G.
Other names: c.525_531del, p.Arg176fs (NM_001407296.1); c.585_591del, p.Arg196fs (NM_001407297.1, NM_001407298.1, NM_001407299.1 and 3 more transcripts); c.-301_-295del (NM_001407304.1, NM_001407305.1, NM_001407306.1 and 5 more transcripts); c.48+5149_48+5155del (NM_001407314.1); c.-105+5149_-105+5155del (NM_001407313.1, NM_001407312.1); c.585_591delAAGAACT (NM_024675.3); short protein forms R176fs, R196fs.
Identifiers: ClinVar variation 4663899 (VCV004663899.1).
Genomic context (GRCh38, chr16:23,635,954, plus strand): 5'-CATTAATTTCTGTAACTGGTTCTGGAGAATCTGGAAGTTCAGATTTAAGACTTAAAAGGT[GAGTTCTT>G]ATTTCAGTTACTGGTGATCTAGCAGGATTTTTGCTACTGATTTCTTCCTGTTCCTTTAGT-3'